The following is an entry in ClinVar:

NM_001371596.2(MFSD8):c.362A>C (p.Tyr121Ser)

Gene: MFSD8 (major facilitator superfamily domain containing 8; minus strand). Cytogenetic location: 4q28.2.
Variant type: single nucleotide variant.
Coding change: c.362A>C on transcript NM_001371596.2 (MANE Select); coding-DNA position 362, A replaced by C.
Protein change: p.Tyr121Ser; replaces tyrosine 121 with serine.
Molecular consequence: missense variant.
Genome position (GRCh38, 1-based): chr4:127,943,829, T>G on the plus strand (A>C on the coding strand, the complement: MFSD8 is on the minus strand). VCF-style: chr4-127943829-T-G. GRCh37 (hg19) VCF-style: chr4-128864984-T-G.
Other names: c.362A>C, p.Tyr121Ser (NM_001363520.3, NM_001363521.3, NM_001371591.2 and 5 more transcripts); c.227A>C, p.Tyr76Ser (NM_001371590.2, NM_001371595.1, NM_001410765.1); short protein forms Y76S, Y121S.
Identifiers: ClinVar variation 934468 (VCV000934468.5), dbSNP rs118203978, ClinGen allele CA3077495.
Genomic context (GRCh38, chr4:127,943,829, plus strand): 5'-AATCCACGAGCAACCAGCATGTAGTATTTATTATGAGAAGCTGGGATGTGGAGATATGCA[T>G]AGAGGCAGTTGGCTGCCACGGAAATCAAGATGGAGACAATAAGAGGCTCTTTTCTTGGTC-3'
Protein context (NP_001358525.1, residues 111-131): ILISVAANCL[Tyr121Ser]AYLHIPASHN

ClinVar aggregate classification (germline): Uncertain significance (1 of 4 stars; one submission).

Conditions:
Neuronal ceroid lipofuscinosis 7 (CLN7). Also called: MFSD8-Related Neuronal Ceroid-Lipofuscinosis. Identifiers: Orphanet 168491, Orphanet 228366, MedGen C1838571, MONDO:0012588, OMIM 610951.

Allele frequency attached by ClinVar (database versions not stated): gnomAD exomes below 0.00001; ExAC 0.00001.

Submission:

Labcorp Genetics (formerly Invitae), Labcorp
Classification: Uncertain significance for Neuronal ceroid lipofuscinosis 7. Last evaluated: 2022-10-14. Review status: criteria provided, single submitter. Criteria: Invitae Variant Classification Sherloc (09022015). Collection method: clinical testing. Allele origin: germline.
Comment: This sequence change replaces tyrosine, which is neutral and polar, with serine, which is neutral and polar, at codon 121 of the MFSD8 protein (p.Tyr121Ser). This variant is present in population databases (rs118203978, gnomAD 0.0009%). This variant has not been reported in the literature in individuals affected with MFSD8-related conditions. ClinVar contains an entry for this variant (Variation ID: 934468). Advanced modeling of protein sequence and biophysical properties (such as structural, functional, and spatial information, amino acid conservation, physicochemical variation, residue mobility, and thermodynamic stability) performed at Invitae indicates that this missense variant is expected to disrupt MFSD8 protein function. In summary, the available evidence is currently insufficient to determine the role of this variant in disease. Therefore, it has been classified as a Variant of Uncertain Significance.